The following is an entry in ClinVar:

NM_000059.4(BRCA2):c.1534C>T (p.Pro512Ser)

Gene: BRCA2 (BRCA2 DNA repair associated; plus strand). Cytogenetic location: 13q13.1.
Variant type: single nucleotide variant.
Coding change: c.1534C>T on transcript NM_000059.4 (MANE Select); coding-DNA position 1534, C replaced by T.
Protein change: p.Pro512Ser; replaces proline 512 with serine.
Molecular consequence: missense variant.
Genome position (GRCh38, 1-based): chr13:32,333,012, C>T. VCF-style: chr13-32333012-C-T. GRCh37 (hg19) VCF-style: chr13-32907149-C-T.
Other names: short protein forms P512S.
Identifiers: ClinVar variation 835163 (VCV000835163.11), dbSNP rs2072415642, ClinGen allele CA387764605.
Genomic context (GRCh38, chr13:32,333,012, plus strand): 5'-TCTCCAGTGGCTTCTTCATTTCAGGGTATCAAAAAGTCTATATTCAGAATAAGAGAATCA[C>T]CTAAAGAGACTTTCAATGCAAGTTTTTCAGGTCATATGACTGATCCAAACTTTAAAAAAG-3'
Protein context (NP_000050.3, residues 502-522): KKSIFRIRES[Pro512Ser]KETFNASFSG

ClinVar aggregate classification (germline): Conflicting classifications of pathogenicity. Review status: criteria provided, conflicting classifications (1 of 4 stars). 2 submissions from 2 submitters: Uncertain significance (1); Likely benign (1). Last evaluated 2023-03-23.

Conditions:
Hereditary breast ovarian cancer syndrome. Also called: Hereditary breast and ovarian cancer syndrome; Breast and ovarian cancer; BRCA1- and BRCA2-Associated Hereditary Breast and Ovarian Cancer; Hereditary breast and ovarian cancer; Hereditary breast and/or ovarian cancer syndrome; Hereditary breast and ovarian cancer syndrome (HBOC). Identifiers: Orphanet 145, MedGen C0677776, MeSH D061325, MONDO:0003582. Disease mechanism: loss of function.
Hereditary cancer-predisposing syndrome. Also called: Hereditary neoplastic syndrome; Neoplastic Syndromes, Hereditary; Tumor predisposition; Hereditary Cancer Syndrome. Identifiers: Orphanet 140162, MedGen C0027672, MeSH D009386, MONDO:0015356.

Submissions (2):

University of Washington Department of Laboratory Medicine, University of Washington
Classification: Likely benign for Hereditary cancer-predisposing syndrome. Last evaluated: 2023-03-23. Review status: criteria provided, single submitter. Criteria: Dines et al. (Genet Med. 2020). Collection method: curation. Allele origin: germline.
Comment: Missense variant in a coldspot region where missense variants are very unlikely to be pathogenic (PMID:31911673).

BRCA2 exon 10 coldspot. Reclassification based on statistical prior probability.

Labcorp Genetics (formerly Invitae), Labcorp
Classification: Uncertain significance for Hereditary breast ovarian cancer syndrome. Last evaluated: 2019-12-08. Review status: criteria provided, single submitter. Criteria: Invitae Variant Classification Sherloc (09022015). Collection method: clinical testing. Allele origin: germline.
Comment: In summary, the available evidence is currently insufficient to determine the role of this variant in disease. Therefore, it has been classified as a Variant of Uncertain Significance. Algorithms developed to predict the effect of missense changes on protein structure and function output the following: SIFT: "Tolerated"; PolyPhen-2: "Benign"; Align-GVGD: "Class C0". The serine amino acid residue is found in multiple mammalian species, suggesting that this missense change does not adversely affect protein function. These predictions have not been confirmed by published functional studies and their clinical significance is uncertain. This variant has not been reported in the literature in individuals with BRCA2-related conditions. This variant is not present in population databases (ExAC no frequency). This sequence change replaces proline with serine at codon 512 of the BRCA2 protein (p.Pro512Ser). The proline residue is weakly conserved and there is a moderate physicochemical difference between proline and serine.